The following is an entry in ClinVar:

NM_024675.4(PALB2):c.1085_1086del (p.Leu362fs)

Gene: PALB2 (partner and localizer of BRCA2; minus strand). Cytogenetic location: 16p12.2.
Variant type: Deletion.
Coding change: c.1085_1086del on transcript NM_024675.4 (MANE Select); coding-DNA positions 1085 to 1086, 2 bases deleted (TT; older notation c.1085_1086delTT).
Protein change: p.Leu362fs; shifts the reading frame from leucine 362.
Molecular consequence: frameshift variant.
Genome position (GRCh38, 1-based): chr16:23,635,460-23,635,461, AA deleted on the plus strand (TT on the coding strand, the reverse complement: PALB2 is on the minus strand). VCF-style (leftmost placement, unchanged base first): chr16-23635459-CAA-C. GRCh37 (hg19) VCF-style: chr16-23646780-CAA-C.
Other names: c.1085_1086delTT (NM_024675.3); short protein forms L362fs.
Identifiers: ClinVar variation 187008 (VCV000187008.12), dbSNP rs786203399, ClinGen allele CA196485.

ClinVar aggregate classification (germline): Pathogenic. Review status: criteria provided, multiple submitters, no conflicts (2 of 4 stars). 3 submissions from 3 submitters: Pathogenic (3). Last evaluated 2023-01-12.

Conditions:
Hereditary cancer-predisposing syndrome. Also called: Neoplastic Syndromes, Hereditary; Tumor predisposition; Hereditary Cancer Syndrome; Hereditary neoplastic syndrome. Identifiers: Orphanet 140162, MedGen C0027672, MeSH D009386, MONDO:0015356.
Familial cancer of breast. Also called: BREAST CANCER, FAMILIAL; Hereditary breast cancer; hereditary breast carcinoma. Identifiers: Orphanet 227535, MedGen C0346153, MONDO:0016419, OMIM 114480. Disease mechanism: loss of function.

Submissions (3):

Myriad Genetics, Inc.
Classification: Pathogenic for Familial cancer of breast. Last evaluated: 2023-01-12. Review status: criteria provided, single submitter. Criteria: Myriad Autosomal Dominant, Autosomal Recessive and X-Linked Classification Criteria (2023). Collection method: clinical testing. Allele origin: unknown.
Comment: This variant is considered pathogenic. This variant creates a frameshift predicted to result in premature protein truncation.

Labcorp Genetics (formerly Invitae), Labcorp
Classification: Pathogenic for Familial cancer of breast. Last evaluated: 2018-05-01. Review status: criteria provided, single submitter. Criteria: Invitae Variant Classification Sherloc (09022015). Collection method: clinical testing. Allele origin: germline.
Comment: For these reasons, this variant has been classified as Pathogenic. Loss-of-function variants in PALB2 are known to be pathogenic (PMID: 17200668, 24136930, 25099575). This variant has not been reported in the literature in individuals with PALB2-related disease. ClinVar contains an entry for this variant (Variation ID: 187008). This variant is not present in population databases (ExAC no frequency). This sequence change creates a premature translational stop signal (p.Leu362Argfs*5) in the PALB2 gene. It is expected to result in an absent or disrupted protein product.

Ambry Genetics
Classification: Pathogenic for Hereditary cancer-predisposing syndrome. Last evaluated: 2014-11-03. Review status: criteria provided, single submitter. Criteria: Ambry Variant Classification Scheme 2023. Collection method: clinical testing. Allele origin: germline.
Comment: The c.1085_1086delTT variant, located in coding exon 4 of the PALB2 gene, results from a deletion of two nucleotides between positions 1085 and 1086, causing a translational frameshift with a predicted alternate stop codon. Since frameshifts are typically deleterious in nature, this alteration is interpreted as a disease-causing mutation (ACMG Recommendations for Standards for Interpretation and Reporting of Sequence Variations. Revision 2007. Genet Med. 2008;10:294).

Literature cited by the submitters: PubMed 17200668 (cited by Labcorp Genetics (formerly Invitae), Labcorp); PubMed 24136930 (cited by Labcorp Genetics (formerly Invitae), Labcorp); PubMed 25099575 (cited by Labcorp Genetics (formerly Invitae), Labcorp).